The following is an entry in ClinVar:

NM_001042517.2(DIAPH3):c.33G>C (p.Pro11=)

Gene: DIAPH3 (diaphanous related formin 3; minus strand). Cytogenetic location: 13q21.2.
Variant type: single nucleotide variant.
Coding change: c.33G>C on transcript NM_001042517.2 (MANE Select); coding-DNA position 33, G replaced by C.
Protein change: p.Pro11=; no amino-acid change (proline 11 retained).
Molecular consequence: synonymous variant.
Genome position (GRCh38, 1-based): chr13:60,163,734, C>G on the plus strand (G>C on the coding strand, the complement: DIAPH3 is on the minus strand). VCF-style: chr13-60163734-C-G. GRCh37 (hg19) VCF-style: chr13-60737868-C-G.
Other names: c.33G>C, p.Pro11= (NM_001258366.2, NM_001258367.2, NM_001258368.2 and 1 more transcripts).
Identifiers: ClinVar variation 513745 (VCV000513745.2), dbSNP rs905455195, ClinGen allele CA250983402.

ClinVar aggregate classification (germline): Likely benign. Review status: criteria provided, multiple submitters, no conflicts (2 of 4 stars). 2 submissions from 2 submitters: Likely benign (2). Last evaluated 2023-02-14.

Allele frequency attached by ClinVar (database versions not stated): gnomAD exomes below 0.00001; TOPMed below 0.00001; gnomAD 0.00001.
gnomAD v4.1: 5 of 1,605,456 alleles (0.00031%); highest among the groups gnomAD compares: African/African-American, 0.0027%; no homozygotes.

Submissions (2):

Blueprint Genetics
Classification: Likely benign. Last evaluated: 2023-02-14. Review status: criteria provided, single submitter. Criteria: ACMG Guidelines, 2015. Collection method: clinical testing. Allele origin: germline.

GeneDx
Classification: Likely benign. Last evaluated: 2017-11-27. Review status: criteria provided, single submitter. Criteria: GeneDx Variant Classification (06012015). Collection method: clinical testing. Allele origin: germline. Affected: yes.
Comment: This variant is considered likely benign or benign based on one or more of the following criteria: it is a conservative change, it occurs at a poorly conserved position in the protein, it is predicted to be benign by multiple in silico algorithms, and/or has population frequency not consistent with disease.